The following is an entry in ClinVar:

NM_001875.5(CPS1):c.3558+1G>C

Gene: CPS1 (carbamoyl-phosphate synthase 1; plus strand). Cytogenetic location: 2q34.
Variant type: single nucleotide variant.
Coding change: c.3558+1G>C on transcript NM_001875.5 (MANE Select); the canonical splice donor site of the intron after coding-DNA position 3558, G replaced by C.
Molecular consequence: splice donor variant.
Genome position (GRCh38, 1-based): chr2:210,654,103, G>C. VCF-style: chr2-210654103-G-C. GRCh37 (hg19) VCF-style: chr2-211518827-G-C.
Other names: IVS29DS, G-C, +1; c.3558+1G>C (NM_001369257.1, NM_001122633.3); c.3591+1G>C (NM_001369256.1).
Identifiers: ClinVar variation 30720 (VCV000030720.13), dbSNP rs1559129372, ClinGen allele CA350437316.

ClinVar aggregate classification (germline): Pathogenic. Review status: criteria provided, multiple submitters, no conflicts (2 of 4 stars). 5 submissions from 5 submitters: Pathogenic (3). 2 of the submissions do not count toward it. Last evaluated 2025-04-09.

Conditions:
Congenital hyperammonemia, type I. Also called: CPS I DEFICIENCY; Carbamoyl phosphate synthetase 1 deficiency; Hyperammonemia due to carbamoyl phosphate synthetase 1 deficiency; CPS 1 deficiency; Carbamyl phosphate synthetase (CPS) deficiency; Carbamoyl phosphate synthetase I deficiency disease. Identifiers: Orphanet 147, MedGen C4082171, MONDO:0009376, OMIM 237300.
Pulmonary hypertension, neonatal, susceptibility to (PHN). Identifiers: MedGen C3714958, MONDO:0014151, OMIM 615371.

Allele frequency attached by ClinVar (database versions not stated): gnomAD exomes below 0.00001.
gnomAD v4.1: 1 of 1,613,538 alleles (0.000062%); highest among the groups gnomAD compares: Non-Finnish European, 0.000085%; no homozygotes.

Submissions (5):

Labcorp Genetics (formerly Invitae), Labcorp
Classification: Pathogenic for Congenital hyperammonemia, type I. Last evaluated: 2025-04-09. Review status: criteria provided, single submitter. Criteria: Invitae Variant Classification Sherloc (09022015). Collection method: clinical testing. Allele origin: germline.
Comment: This sequence change affects a donor splice site in intron 29 of the CPS1 gene. It is expected to disrupt RNA splicing. Variants that disrupt the donor or acceptor splice site typically lead to a loss of protein function (PMID: 16199547), and loss-of-function variants in CPS1 are known to be pathogenic (PMID: 21120950). This variant is not present in population databases (gnomAD no frequency). Disruption of this splice site has been observed in individual(s) with carbamoyl phosphate synthetase I deficiency (PMID: 12655559, 15164414, 19793055). In at least one individual the data is consistent with being in trans (on the opposite chromosome) from a pathogenic variant. It has also been observed to segregate with disease in related individuals. ClinVar contains an entry for this variant (Variation ID: 30720). Algorithms developed to predict the effect of sequence changes on RNA splicing suggest that this variant may disrupt the consensus splice site. For these reasons, this variant has been classified as Pathogenic.

Revvity Omics, Revvity
Classification: Pathogenic for Congenital hyperammonemia, type I. Last evaluated: 2025-03-24. Review status: criteria provided, single submitter. Criteria: ACMG Guidelines, 2015. Collection method: clinical testing. Allele origin: germline.

Baylor Genetics
Classification: Pathogenic for Pulmonary hypertension, neonatal, susceptibility to. Last evaluated: 2023-10-18. Review status: criteria provided, single submitter. Criteria: ACMG Guidelines, 2015. Collection method: clinical testing. Allele origin: unknown.

Natera, Inc.
Classification: Pathogenic for Carbamoyl-phosphate synthase I deficiency. Last evaluated: 2020-09-16. Review status: no assertion criteria provided. Collection method: clinical testing. Allele origin: germline. Not counted in ClinVar's aggregate classification.

OMIM
Classification: Pathogenic for CARBAMOYL PHOSPHATE SYNTHETASE I DEFICIENCY. Last evaluated: 2009-09-01. Review status: no assertion criteria provided. Collection method: literature only. Allele origin: germline. Not counted in ClinVar's aggregate classification.

Literature cited by the submitters: PubMed 16199547 (cited by Labcorp Genetics (formerly Invitae), Labcorp); PubMed 21120950 (cited by Labcorp Genetics (formerly Invitae), Labcorp); PubMed 12655559 (cited by Labcorp Genetics (formerly Invitae), Labcorp); PubMed 15164414 (cited by Labcorp Genetics (formerly Invitae), Labcorp); PubMed 19793055 (cited by Labcorp Genetics (formerly Invitae), Labcorp and OMIM).